The following is an entry in ClinVar:

ClinVar aggregate classification (germline): Pathogenic. Review status: criteria provided, multiple submitters, no conflicts (2 of 4 stars). 2 submissions from 2 submitters: Pathogenic (2). Last evaluated 2024-01-26.

Conditions:
Retinitis pigmentosa 20 (RP20). Identifiers: Orphanet 791, MedGen C3151086, MONDO:0013425, OMIM 613794.
Leber congenital amaurosis 2 (LCA2). Also called: AMAUROSIS CONGENITA OF LEBER II; Autosomal Recessive RPE65-Related Retinal Degeneration. Identifiers: Orphanet 65, MedGen C1859844, MONDO:0008765, OMIM 204100. Disease mechanism: loss of function.
RPE65-related recessive retinopathy. Also called: Recessive RPE65 retinopathy. Identifiers: MedGen CN305526, MONDO:0100368.

Submissions (2):

Myriad Genetics, Inc.
Classification: Pathogenic for RPE65-related recessive retinopathy. Last evaluated: 2024-01-26. Review status: criteria provided, single submitter. Criteria: Myriad Autosomal Dominant, Autosomal Recessive and X-Linked Classification Criteria (2023). Collection method: clinical testing. Allele origin: unknown.
Comment: NM_000329.2(RPE65):c.34dupT(Y12Lfs*6) is expected to be pathogenic in the context of inherited retinal dystrophy, RPE65-related. This variant is predicted to lead to an abnormal or absent protein product due to the creation of a premature termination codon in RPE65, a gene where loss-of-function variants are known to be pathogenic. Please note: this variant was assessed in the context of healthy population screening.

Labcorp Genetics (formerly Invitae), Labcorp
Classification: Pathogenic for Leber congenital amaurosis 2; Retinitis pigmentosa 20. Last evaluated: 2023-04-15. Review status: criteria provided, single submitter. Criteria: Invitae Variant Classification Sherloc (09022015). Collection method: clinical testing. Allele origin: germline.
Comment: For these reasons, this variant has been classified as Pathogenic. This variant has not been reported in the literature in individuals affected with RPE65-related conditions. This variant is not present in population databases (gnomAD no frequency). This sequence change creates a premature translational stop signal (p.Tyr12Leufs*6) in the RPE65 gene. It is expected to result in an absent or disrupted protein product. Loss-of-function variants in RPE65 are known to be pathogenic (PMID: 9326941, 9501220, 9843205, 18632300).

Literature cited by the submitters: PubMed 9326941 (cited by Labcorp Genetics (formerly Invitae), Labcorp); PubMed 9501220 (cited by Labcorp Genetics (formerly Invitae), Labcorp); PubMed 9843205 (cited by Labcorp Genetics (formerly Invitae), Labcorp); PubMed 18632300 (cited by Labcorp Genetics (formerly Invitae), Labcorp).

NM_000329.3(RPE65):c.34dup (p.Tyr12fs)

Gene: RPE65 (retinoid isomerohydrolase RPE65; minus strand). Cytogenetic location: 1p31.3.
Variant type: Duplication.
Coding change: c.34dup on transcript NM_000329.3 (MANE Select); coding-DNA position 34, one base duplicated (T; older notation c.34dupT).
Protein change: p.Tyr12fs; shifts the reading frame from tyrosine 12.
Molecular consequence: frameshift variant. On other transcripts: 5 prime UTR variant (1), intron variant (1).
Genome position (GRCh38, 1-based): chr1:68,448,684, A duplicated on the plus strand (T on the coding strand, the reverse complement: RPE65 is on the minus strand); the first of 2 consecutive A bases (chr1:68,448,684-68,448,685); duplicating either gives the same sequence. VCF-style (leftmost placement, unchanged base first): chr1-68448683-T-TA. GRCh37 (hg19) VCF-style: chr1-68914366-T-TA.
Other names: c.34dup, p.Tyr12fs (NM_001406853.1, NM_001406859.1, NM_001406860.1); c.-92dup (NM_001406856.1); c.-183+1211dup (NM_001406857.1); short protein forms Y12fs.
Identifiers: ClinVar variation 2946758 (VCV002946758.4), dbSNP rs2523458600, ClinGen allele CA2740090778.